The following is an entry in ClinVar:

NM_001127222.2(CACNA1A):c.6660C>A (p.Pro2220=)

Gene: CACNA1A (calcium voltage-gated channel subunit alpha1 A; minus strand). Cytogenetic location: 19p13.13.
Variant type: single nucleotide variant.
Coding change: c.6660C>A on transcript NM_001127222.2 (MANE Select); coding-DNA position 6660, C replaced by A.
Protein change: p.Pro2220=; no amino-acid change (proline 2220 retained).
Molecular consequence: synonymous variant.
Genome position (GRCh38, 1-based): chr19:13,208,876, G>T on the plus strand (C>A on the coding strand, the complement: CACNA1A is on the minus strand). VCF-style: chr19-13208876-G-T. GRCh37 (hg19) VCF-style: chr19-13319690-G-T.
Other names: c.6678C>A, p.Pro2226= (NM_000068.4, NM_023035.3); c.6663C>A, p.Pro2221= (NM_001127221.2); c.6669C>A, p.Pro2223= (NM_001174080.2).
Identifiers: ClinVar variation 1694897 (VCV001694897.31), dbSNP rs771726163, ClinGen allele CA9239298.

ClinVar aggregate classification (germline): Likely benign (1 of 4 stars; one submission).

Allele frequency attached by ClinVar (database versions not stated): gnomAD 0.00001; ExAC 0.00008.
gnomAD v4.1: 5 of 1,518,260 alleles (0.00033%); highest among the groups gnomAD compares: South Asian, 0.006%; no homozygotes.

Submission:

CeGaT Center for Human Genetics Tuebingen
Classification: Likely benign. Last evaluated: 2022-06-01. Review status: criteria provided, single submitter. Criteria: CeGaT Center For Human Genetics Tuebingen Variant Classification Criteria Version 2. Collection method: clinical testing. Allele origin: germline. Affected: yes. Observed: 1 variant allele.
Comment: CACNA1A: BP4, BP7